The following is an entry in ClinVar:

ClinVar aggregate classification (germline): Uncertain significance (1 of 4 stars; one submission).

Conditions:
Hereditary cancer-predisposing syndrome. Also called: Hereditary Cancer Syndrome; Hereditary neoplastic syndrome; Neoplastic Syndromes, Hereditary; Tumor predisposition. Identifiers: Orphanet 140162, MedGen C0027672, MeSH D009386, MONDO:0015356.

Submission:

Ambry Genetics
Classification: Uncertain significance for Hereditary cancer-predisposing syndrome. Last evaluated: 2021-03-12. Review status: criteria provided, single submitter. Criteria: Ambry Variant Classification Scheme 2023. Collection method: clinical testing. Allele origin: germline.
Comment: The p.K323E variant (also known as c.967A>G), located in coding exon 7 of the POLD1 gene, results from an A to G substitution at nucleotide position 967. The lysine at codon 323 is replaced by glutamic acid, an amino acid with similar properties. This amino acid position is highly conserved in available vertebrate species. In addition, the in silico prediction for this alteration is inconclusive. Since supporting evidence is limited at this time, the clinical significance of this alteration remains unclear.

NM_002691.4(POLD1):c.967A>G (p.Lys323Glu)

Gene: POLD1 (DNA polymerase delta 1, catalytic subunit; plus strand). Cytogenetic location: 19q13.33.
Variant type: single nucleotide variant.
Coding change: c.967A>G on transcript NM_002691.4 (MANE Select); coding-DNA position 967, A replaced by G.
Protein change: p.Lys323Glu; replaces lysine 323 with glutamic acid.
Molecular consequence: missense variant. On other transcripts: non-coding transcript variant (1).
Genome position (GRCh38, 1-based): chr19:50,402,738, A>G. VCF-style: chr19-50402738-A-G. GRCh37 (hg19) VCF-style: chr19-50905995-A-G.
Other names: c.967A>G, p.Lys323Glu (NM_001256849.1, NM_001308632.1); short protein forms K323E.
Identifiers: ClinVar variation 1767754 (VCV001767754.2), dbSNP rs2122261072, ClinGen allele CA406977471.